The following is an entry in ClinVar:

ClinVar aggregate classification (germline): Likely pathogenic (1 of 4 stars; one submission).

Submission:

Labcorp Genetics (formerly Invitae), Labcorp
Classification: Likely pathogenic. Last evaluated: 2024-09-21. Review status: criteria provided, single submitter. Criteria: Invitae Variant Classification Sherloc (09022015). Collection method: clinical testing. Allele origin: germline.
Comment: This sequence change affects an acceptor splice site in intron 2 of the TIMMDC1 gene. It is expected to disrupt RNA splicing. Variants that disrupt the donor or acceptor splice site typically lead to a loss of protein function (PMID: 16199547), and loss-of-function variants in TIMMDC1 are known to be pathogenic (PMID: 28604674, 33278652). This variant is not present in population databases (gnomAD no frequency). This variant has not been reported in the literature in individuals affected with TIMMDC1-related conditions. Algorithms developed to predict the effect of sequence changes on RNA splicing suggest that this variant may disrupt the consensus splice site. In summary, the currently available evidence indicates that the variant is pathogenic, but additional data are needed to prove that conclusively. Therefore, this variant has been classified as Likely Pathogenic.

Literature cited by the submitters: PubMed 16199547; PubMed 28604674; PubMed 33278652.

NM_016589.4(TIMMDC1):c.361-2A>T

Gene: TIMMDC1 (translocase of inner mitochondrial membrane domain containing 1; plus strand). Cytogenetic location: 3q13.33.
Variant type: single nucleotide variant.
Coding change: c.361-2A>T on transcript NM_016589.4 (MANE Select); the canonical splice acceptor site of the intron before coding-DNA position 361, A replaced by T.
Molecular consequence: splice acceptor variant.
Genome position (GRCh38, 1-based): chr3:119,503,530, A>T. VCF-style: chr3-119503530-A-T. GRCh37 (hg19) VCF-style: chr3-119222377-A-T.
Identifiers: ClinVar variation 3678295 (VCV003678295.2).